The following is an entry in ClinVar:

NM_000260.4(MYO7A):c.1086C>A (p.Asn362Lys)

Gene: MYO7A (myosin VIIA; plus strand). Cytogenetic location: 11q13.5.
Variant type: single nucleotide variant.
Coding change: c.1086C>A on transcript NM_000260.4 (MANE Select); coding-DNA position 1086, C replaced by A.
Protein change: p.Asn362Lys; replaces asparagine 362 with lysine.
Molecular consequence: missense variant.
Genome position (GRCh38, 1-based): chr11:77,160,168, C>A. VCF-style: chr11-77160168-C-A. GRCh37 (hg19) VCF-style: chr11-76871214-C-A.
Other names: c.1086C>A, p.Asn362Lys (NM_001127180.2); c.1053C>A, p.Asn351Lys (NM_001369365.1); short protein forms N351K, N362K.
Identifiers: ClinVar variation 4759726 (VCV004759726.1).

ClinVar aggregate classification (germline): Uncertain significance (1 of 4 stars; one submission).

gnomAD v4.1: 6 of 1,558,534 alleles (0.00038%); highest among the groups gnomAD compares: African/African-American, 0.0014%; no homozygotes.

Submission:

Labcorp Genetics (formerly Invitae), Labcorp
Classification: Uncertain significance. Last evaluated: 2025-03-10. Review status: criteria provided, single submitter. Criteria: Invitae Variant Classification Sherloc (09022015). Collection method: clinical testing. Allele origin: germline.
Comment: This sequence change replaces asparagine, which is neutral and polar, with lysine, which is basic and polar, at codon 362 of the MYO7A protein (p.Asn362Lys). The frequency data for this variant in the population databases is considered unreliable, as metrics indicate poor data quality at this position in the gnomAD database. This variant has not been reported in the literature in individuals affected with MYO7A-related conditions. Invitae Evidence Modeling of protein sequence and biophysical properties (such as structural, functional, and spatial information, amino acid conservation, physicochemical variation, residue mobility, and thermodynamic stability) indicates that this missense variant is not expected to disrupt MYO7A protein function with a negative predictive value of 95%. In summary, the available evidence is currently insufficient to determine the role of this variant in disease. Therefore, it has been classified as a Variant of Uncertain Significance.